The following is an entry in ClinVar:

NM_014049.5(ACAD9):c.170C>T (p.Pro57Leu)

Gene: ACAD9 (acyl-CoA dehydrogenase family member 9; plus strand). Cytogenetic location: 3q21.3.
Variant type: single nucleotide variant.
Coding change: c.170C>T on transcript NM_014049.5 (MANE Select); coding-DNA position 170, C replaced by T.
Protein change: p.Pro57Leu; replaces proline 57 with leucine.
Molecular consequence: missense variant. On other transcripts: non-coding transcript variant (1).
Genome position (GRCh38, 1-based): chr3:128,884,672, C>T. VCF-style: chr3-128884672-C-T. GRCh37 (hg19) VCF-style: chr3-128603515-C-T.
Other names: short protein forms P57L.
Identifiers: ClinVar variation 1525547 (VCV001525547.6), dbSNP rs1486453975, ClinGen allele CA354430109.

ClinVar aggregate classification (germline): Uncertain significance (1 of 4 stars; one submission).

Allele frequency attached by ClinVar (database versions not stated): gnomAD exomes below 0.00001; TOPMed below 0.00001.
gnomAD v4.1: 2 of 1,611,546 alleles (0.00012%); highest among the groups gnomAD compares: Non-Finnish European, 0.00017%; no homozygotes.

Submission:

Labcorp Genetics (formerly Invitae), Labcorp
Classification: Uncertain significance. Last evaluated: 2024-11-05. Review status: criteria provided, single submitter. Criteria: Invitae Variant Classification Sherloc (09022015). Collection method: clinical testing. Allele origin: germline.
Comment: This sequence change replaces proline, which is neutral and non-polar, with leucine, which is neutral and non-polar, at codon 57 of the ACAD9 protein (p.Pro57Leu). This variant is present in population databases (no rsID available, gnomAD 0.0009%). This variant has not been reported in the literature in individuals affected with ACAD9-related conditions. ClinVar contains an entry for this variant (Variation ID: 1525547). Invitae Evidence Modeling of protein sequence and biophysical properties (such as structural, functional, and spatial information, amino acid conservation, physicochemical variation, residue mobility, and thermodynamic stability) indicates that this missense variant is expected to disrupt ACAD9 protein function with a positive predictive value of 80%. Algorithms developed to predict the effect of sequence changes on RNA splicing suggest that this variant may disrupt the consensus splice site. In summary, the available evidence is currently insufficient to determine the role of this variant in disease. Therefore, it has been classified as a Variant of Uncertain Significance.